The following is an entry in ClinVar:

NM_144997.7(FLCN):c.929C>T (p.Ala310Val)

Gene: FLCN (folliculin; minus strand). Cytogenetic location: 17p11.2.
Variant type: single nucleotide variant.
Coding change: c.929C>T on transcript NM_144997.7 (MANE Select); coding-DNA position 929, C replaced by T.
Protein change: p.Ala310Val; replaces alanine 310 with valine.
Molecular consequence: missense variant.
Genome position (GRCh38, 1-based): chr17:17,219,152, G>A on the plus strand (C>T on the coding strand, the complement: FLCN is on the minus strand). VCF-style: chr17-17219152-G-A. GRCh37 (hg19) VCF-style: chr17-17122466-G-A.
Other names: c.983C>T, p.Ala328Val (NM_001353229.2); c.929C>T, p.Ala310Val (NM_001353230.2, NM_001353231.2); short protein forms A310V, A328V.
Identifiers: ClinVar variation 4643210 (VCV004643210.1).

ClinVar aggregate classification (germline): Uncertain significance (1 of 4 stars; one submission).

Conditions:
Hereditary cancer-predisposing syndrome. Also called: Neoplastic Syndromes, Hereditary; Tumor predisposition; Hereditary Cancer Syndrome; Hereditary neoplastic syndrome. Identifiers: Orphanet 140162, MedGen C0027672, MeSH D009386, MONDO:0015356.

Submission:

Ambry Genetics
Classification: Uncertain significance for Hereditary cancer-predisposing syndrome. Last evaluated: 2025-11-17. Review status: criteria provided, single submitter. Criteria: Ambry Variant Classification Scheme 2023. Collection method: clinical testing. Allele origin: germline.
Comment: The p.A310V variant (also known as c.929C>T), located in coding exon 6 of the FLCN gene, results from a C to T substitution at nucleotide position 929. The alanine at codon 310 is replaced by valine, an amino acid with similar properties. This amino acid position is conserved. In addition, this alteration is predicted to be tolerated by in silico analysis. Based on the available evidence, the clinical significance of this variant remains unclear.